The following is an entry in ClinVar:

NM_020166.5(MCCC1):c.401A>G (p.Glu134Gly)

Gene: MCCC1 (methylcrotonyl-CoA carboxylase subunit 1; minus strand). Cytogenetic location: 3q27.1.
Variant type: single nucleotide variant.
Coding change: c.401A>G on transcript NM_020166.5 (MANE Select); coding-DNA position 401, A replaced by G.
Protein change: p.Glu134Gly; replaces glutamic acid 134 with glycine.
Molecular consequence: missense variant. On other transcripts: non-coding transcript variant (2), intron variant (1).
Genome position (GRCh38, 1-based): chr3:183,072,456, T>C on the plus strand (A>G on the coding strand, the complement: MCCC1 is on the minus strand). VCF-style: chr3-183072456-T-C. GRCh37 (hg19) VCF-style: chr3-182790244-T-C.
Other names: c.74A>G, p.Glu25Gly (NM_001363880.1); c.141-1099A>G (NM_001293273.2); short protein forms E25G, E134G.
Identifiers: ClinVar variation 1523716 (VCV001523716.6), dbSNP rs2108528559, ClinGen allele CA355331342.
Genomic context (GRCh38, chr3:183,072,456, plus strand): 5'-GGAGGAGGGCCTATAAAAATAATTCCTTCTTGCTTACAAAGTTCAGCAAATTCCATGTTT[T>C]CTGAGAGAAAACCGCATCCTGGATGGATAGCCTAGAAATGAGAAATAAAATAAAAAATTT-3'
Protein context (NP_064551.3, residues 124-144): AIHPGCGFLS[Glu134Gly]NMEFAELCKQ

ClinVar aggregate classification (germline): Uncertain significance (1 of 4 stars; one submission).

Conditions:
3-methylcrotonyl-CoA carboxylase 1 deficiency (MCC1D). Also called: MCC 1 deficiency; 3 Alpha methylcrotonylglycinuria 1; MCCD TYPE 1; METHYLCROTONYLGLYCINURIA TYPE I. Identifiers: Orphanet 6, MedGen CN028786, MONDO:0008861, OMIM 210200.

Submission:

Labcorp Genetics (formerly Invitae), Labcorp
Classification: Uncertain significance for 3-methylcrotonyl-CoA carboxylase 1 deficiency. Last evaluated: 2024-08-23. Review status: criteria provided, single submitter. Criteria: Invitae Variant Classification Sherloc (09022015). Collection method: clinical testing. Allele origin: germline.
Comment: This sequence change replaces glutamic acid, which is acidic and polar, with glycine, which is neutral and non-polar, at codon 134 of the MCCC1 protein (p.Glu134Gly). This variant is not present in population databases (gnomAD no frequency). This missense change has been observed in individual(s) with 3-methylcrotonyl-CoA carboxylase deficiency (internal data). ClinVar contains an entry for this variant (Variation ID: 1523716). Invitae Evidence Modeling of protein sequence and biophysical properties (such as structural, functional, and spatial information, amino acid conservation, physicochemical variation, residue mobility, and thermodynamic stability) indicates that this missense variant is expected to disrupt MCCC1 protein function with a positive predictive value of 95%. This variant disrupts the p.Glu134 amino acid residue in MCCC1. Other variant(s) that disrupt this residue have been observed in individuals with MCCC1-related conditions (PMID: 16010683), which suggests that this may be a clinically significant amino acid residue. In summary, the available evidence is currently insufficient to determine the role of this variant in disease. Therefore, it has been classified as a Variant of Uncertain Significance.

Literature cited by the submitters: PubMed 16010683.